The following is an entry in ClinVar:

NM_015102.5(NPHP4):c.556C>T (p.Gln186Ter)

Gene: NPHP4 (nephrocystin 4; minus strand). Cytogenetic location: 1p36.31.
Variant type: single nucleotide variant.
Coding change: c.556C>T on transcript NM_015102.5 (MANE Select); coding-DNA position 556, C replaced by T.
Protein change: p.Gln186Ter; replaces glutamine 186 with a stop codon.
Molecular consequence: nonsense. On other transcripts: 5 prime UTR variant (2), non-coding transcript variant (1).
Genome position (GRCh38, 1-based): chr1:5,961,911, G>A on the plus strand (C>T on the coding strand, the complement: NPHP4 is on the minus strand). VCF-style: chr1-5961911-G-A. GRCh37 (hg19) VCF-style: chr1-6021971-G-A.
Other names: c.556C>T (NM_015102.4); c.-674C>T (NM_001291593.2); c.-811C>T (NM_001291594.2); short protein forms Q186*.
Identifiers: ClinVar variation 4923870 (VCV004923870.2).

ClinVar aggregate classification (germline): Likely pathogenic. Review status: criteria provided, multiple submitters, no conflicts (2 of 4 stars). 2 submissions from 2 submitters: Likely pathogenic (2). Last evaluated 2026-05-26.

Conditions:
NPHP4-related disorder. Also called: NPHP4-related disorders; NPHP4-related condition. Identifiers: MedGen CN239384.

gnomAD v4.1: 5 of 1,611,456 alleles (0.00031%); highest among the groups gnomAD compares: Non-Finnish European, 0.00042%; no homozygotes.

Submissions (2):

PreventionGenetics, part of Exact Sciences
Classification: Likely pathogenic for NPHP4-related condition. Last evaluated: 2026-05-26. Review status: criteria provided, single submitter. Criteria: ACMG Guidelines, 2015. Collection method: clinical testing. Allele origin: germline.
Comment: The NPHP4 c.556C>T variant is predicted to result in premature protein termination (p.Gln186*). To our knowledge, this variant has not been reported in the literature in individuals with NPHP4-related disease. This variant is reported in 0.00089% of alleles in individuals of European (Non-Finnish) descent in gnomAD. Nonsense variants in NPHP4 are expected to be pathogenic. This variant is interpreted as likely pathogenic.

Blueprint Genetics
Classification: Likely pathogenic for NPHP4-related disorders. Last evaluated: 2023-05-04. Review status: criteria provided, single submitter. Criteria: ACMG Guidelines, 2015. Collection method: clinical testing. Allele origin: germline. Affected: yes. Observed: 1 variant allele.